The following is an entry in ClinVar:

ClinVar aggregate classification (germline): Uncertain significance (1 of 4 stars; one submission).

Submission:

Labcorp Genetics (formerly Invitae), Labcorp
Classification: Uncertain significance. Last evaluated: 2022-05-05. Review status: criteria provided, single submitter. Criteria: Invitae Variant Classification Sherloc (09022015). Collection method: clinical testing. Allele origin: germline.
Comment: In summary, the available evidence is currently insufficient to determine the role of this variant in disease. Therefore, it has been classified as a Variant of Uncertain Significance. Algorithms developed to predict the effect of missense changes on protein structure and function are either unavailable or do not agree on the potential impact of this missense change (SIFT: "Deleterious"; PolyPhen-2: "Probably Damaging"; Align-GVGD: "Class C0"). This variant has not been reported in the literature in individuals affected with SPEG-related conditions. This variant is not present in population databases (gnomAD no frequency). This sequence change replaces arginine, which is basic and polar, with leucine, which is neutral and non-polar, at codon 2386 of the SPEG protein (p.Arg2386Leu).

NM_005876.5(SPEG):c.7157G>T (p.Arg2386Leu)

Genes: ASIC4-AS1 (ASIC4 antisense RNA 1; minus strand), SPEG (striated muscle enriched protein kinase; plus strand). Cytogenetic location: 2q35.
Variant type: single nucleotide variant.
Coding change: c.7157G>T on transcript NM_005876.5 (MANE Select); coding-DNA position 7157, G replaced by T.
Protein change: p.Arg2386Leu; replaces arginine 2386 with leucine.
Molecular consequence: missense variant.
Genome position (GRCh38, 1-based): chr2:219,484,620, G>T. VCF-style: chr2-219484620-G-T. GRCh37 (hg19) VCF-style: chr2-220349342-G-T.
Other names: short protein forms R2386L.
Identifiers: ClinVar variation 1973978 (VCV001973978.5), dbSNP rs2545944252, ClinGen allele CA350701097.